The following is an entry in ClinVar:

ClinVar aggregate classification (germline): Uncertain significance (1 of 4 stars; one submission).

Conditions:
Familial thoracic aortic aneurysm and aortic dissection (TAAD). Also called: Thoracic aortic aneurysms and dissections. Identifiers: Orphanet 91387, MedGen C4707243, MONDO:0019625.

Allele frequency attached by ClinVar (database versions not stated): gnomAD exomes below 0.00001.
gnomAD v4.1: 4 of 1,430,128 alleles (0.00028%); highest among the groups gnomAD compares: South Asian, 0.0011%; no homozygotes.

Submission:

Color Diagnostics, LLC DBA Color Health
Classification: Uncertain significance for Familial thoracic aortic aneurysm and aortic dissection. Last evaluated: 2024-03-07. Review status: criteria provided, single submitter. Criteria: ACMG Guidelines, 2015. Collection method: clinical testing. Allele origin: germline.
Comment: This missense variant replaces methionine with valine at codon 379 of the MYH11 protein. Computational prediction is inconclusive regarding the impact of this variant on protein structure and function (internally defined REVEL score threshold 0.5 < inconclusive < 0.7, PMID: 27666373). Splice site prediction tools suggest that this variant may not impact RNA splicing. To our knowledge, functional studies have not been performed for this variant. This variant has not been reported in individuals affected with cardiovascular disorders in the literature. This variant has not been identified in the general population by the Genome Aggregation Database (gnomAD). The available evidence is insufficient to determine the role of this variant in disease conclusively. Therefore, this variant is classified as a Variant of Uncertain Significance.

NM_002474.3(MYH11):c.1114A>G (p.Met372Val)

Gene: MYH11 (myosin heavy chain 11; minus strand). Cytogenetic location: 16p13.11.
Variant type: single nucleotide variant.
Coding change: c.1114A>G on transcript NM_002474.3 (MANE Select); coding-DNA position 1114, A replaced by G.
Protein change: p.Met372Val; replaces methionine 372 with valine.
Molecular consequence: missense variant.
Genome position (GRCh38, 1-based): chr16:15,763,811, T>C on the plus strand (A>G on the coding strand, the complement: MYH11 is on the minus strand). VCF-style: chr16-15763811-T-C. GRCh37 (hg19) VCF-style: chr16-15857668-T-C.
Other names: c.1135A>G, p.Met379Val (NM_001040113.2, NM_001040114.2); c.1114A>G, p.Met372Val (NM_022844.3); short protein forms M379V, M372V.
Identifiers: ClinVar variation 926006 (VCV000926006.4), dbSNP rs2041921713, ClinGen allele CA394865207.
Genomic context (GRCh38, chr16:15,763,811, plus strand): 5'-CCCCAACCCCAAAGTCATTGGTCATCAGGAAAAAGTGGCAAGTACCTGTGTTATCTGGCA[T>C]GGACGCCTGGTCTGTGTTTCTTTCCTTCTTGAAGACGATATTTCCAAGCTGCAGGACCGA-3'
Protein context (NP_002465.1, residues 362-382): KKERNTDQAS[Met372Val]PDNTAAQKVC